The following is an entry in ClinVar:

NM_001243279.3(ACSF3):c.1502-18C>G

Gene: ACSF3 (acyl-CoA synthetase family member 3; plus strand). Cytogenetic location: 16q24.3.
Variant type: single nucleotide variant.
Coding change: c.1502-18C>G on transcript NM_001243279.3 (MANE Select); 18 bases into the intron before coding-DNA position 1502, C replaced by G.
Molecular consequence: intron variant.
Genome position (GRCh38, 1-based): chr16:89,145,920, C>G. VCF-style: chr16-89145920-C-G. GRCh37 (hg19) VCF-style: chr16-89212328-C-G.
Other names: c.1502-18C>G (NM_001127214.4, NM_174917.5); c.707-18C>G (NM_001284316.2).
Identifiers: ClinVar variation 388889 (VCV000388889.10), dbSNP rs759372180, ClinGen allele CA8238262.

ClinVar aggregate classification (germline): Likely benign. Review status: criteria provided, multiple submitters, no conflicts (2 of 4 stars). 3 submissions from 3 submitters: Likely benign (3). Last evaluated 2026-01-14.

Conditions:
Combined malonic and methylmalonic acidemia. Identifiers: Orphanet 289504, MedGen C3280314, MONDO:0013661, OMIM 614265.

Allele frequency attached by ClinVar (database versions not stated): TOPMed 0.00011; gnomAD 0.00012; gnomAD exomes 0.00012; ExAC 0.00015.
gnomAD v4.1: 187 of 1,607,738 alleles (0.012%); highest among the groups gnomAD compares: Non-Finnish European, 0.014%; no homozygotes.

Submissions (3):

Labcorp Genetics (formerly Invitae), Labcorp
Classification: Likely benign for Combined malonic and methylmalonic acidemia. Last evaluated: 2026-01-14. Review status: criteria provided, single submitter. Criteria: Invitae Variant Classification Sherloc (09022015). Collection method: clinical testing. Allele origin: germline.

Blueprint Genetics
Classification: Likely benign. Last evaluated: 2024-11-18. Review status: criteria provided, single submitter. Criteria: ACMG Guidelines, 2015. Collection method: clinical testing. Allele origin: germline.

GeneDx
Classification: Likely benign. Last evaluated: 2016-08-26. Review status: criteria provided, single submitter. Criteria: GeneDx Variant Classification (06012015). Collection method: clinical testing. Allele origin: germline. Affected: yes.
Comment: This variant is considered likely benign or benign based on one or more of the following criteria: it is a conservative change, it occurs at a poorly conserved position in the protein, it is predicted to be benign by multiple in silico algorithms, and/or has population frequency not consistent with disease.